The following is an entry in ClinVar:

ClinVar aggregate classification (germline): Uncertain significance (1 of 4 stars; one submission).

Conditions:
Agammaglobulinemia 2, autosomal recessive (AGM2). Also called: AGAMMAGLOBULINEMIA, AUTOSOMAL RECESSIVE, DUE TO IGLL1 DEFECT. Identifiers: MedGen C3150750, MONDO:0013287, OMIM 613500.

Allele frequency attached by ClinVar (database versions not stated): ExAC 0.00001; TOPMed 0.00001.
gnomAD v4.1: 19 of 1,613,484 alleles (0.0012%); highest among the groups gnomAD compares: Non-Finnish European, 0.0016%; no homozygotes.

Submission:

Labcorp Genetics (formerly Invitae), Labcorp
Classification: Uncertain significance for Agammaglobulinemia 2, autosomal recessive. Last evaluated: 2024-12-08. Review status: criteria provided, single submitter. Criteria: Invitae Variant Classification Sherloc (09022015). Collection method: clinical testing. Allele origin: germline.
Comment: This sequence change replaces arginine, which is basic and polar, with cysteine, which is neutral and slightly polar, at codon 74 of the IGLL1 protein (p.Arg74Cys). This variant is present in population databases (rs750469809, gnomAD 0.002%). This variant has not been reported in the literature in individuals affected with IGLL1-related conditions. ClinVar contains an entry for this variant (Variation ID: 2968509). An algorithm developed to predict the effect of missense changes on protein structure and function (PolyPhen-2) suggests that this variant is likely to be tolerated. In summary, the available evidence is currently insufficient to determine the role of this variant in disease. Therefore, it has been classified as a Variant of Uncertain Significance.

NM_020070.4(IGLL1):c.220C>T (p.Arg74Cys)

Gene: IGLL1 (immunoglobulin lambda like polypeptide 1; minus strand). Cytogenetic location: 22q11.23.
Variant type: single nucleotide variant.
Coding change: c.220C>T on transcript NM_020070.4 (MANE Select); coding-DNA position 220, C replaced by T.
Protein change: p.Arg74Cys; replaces arginine 74 with cysteine.
Molecular consequence: missense variant. On other transcripts: intron variant (1).
Genome position (GRCh38, 1-based): chr22:23,575,069, G>A on the plus strand (C>T on the coding strand, the complement: IGLL1 is on the minus strand). VCF-style: chr22-23575069-G-A. GRCh37 (hg19) VCF-style: chr22-23917256-G-A.
Other names: c.223C>T, p.Arg75Cys (NM_001369906.1); c.207-1484C>T (NM_152855.3); short protein forms R74C, R75C.
Identifiers: ClinVar variation 2968509 (VCV002968509.3), dbSNP rs750469809, ClinGen allele CA10143379.